The following is an entry in ClinVar:

ClinVar aggregate classification (germline): Likely benign (0 of 4 stars; one submission).

Conditions:
TBC1D1-related disorder. Also called: TBC1D1-related condition.

Allele frequency attached by ClinVar (database versions not stated): TOPMed 0.00005; gnomAD 0.00007; gnomAD exomes 0.00010.
gnomAD v4.1: 152 of 1,520,786 alleles (0.01%); highest among the groups gnomAD compares: Non-Finnish European, 0.013%; no homozygotes.

Submission:

PreventionGenetics, part of Exact Sciences
Classification: Likely benign for TBC1D1-related condition. Last evaluated: 2019-03-13. Review status: no assertion criteria provided. Collection method: clinical testing. Allele origin: germline.
Comment: This variant is classified as likely benign based on ACMG/AMP sequence variant interpretation guidelines (Richards et al. 2015 PMID: 25741868, with internal and published modifications).

NM_001396959.1(TBC1D1):c.2172T>C (p.Ser724=)

Gene: TBC1D1 (TBC1 domain family member 1; plus strand). Cytogenetic location: 4p14.
Variant type: single nucleotide variant.
Coding change: c.2172T>C on transcript NM_001396959.1 (MANE Select); coding-DNA position 2172, T replaced by C.
Protein change: p.Ser724=; no amino-acid change (serine 724 retained).
Molecular consequence: synonymous variant. On other transcripts: intron variant (1).
Genome position (GRCh38, 1-based): chr4:38,053,205, T>C. VCF-style: chr4-38053205-T-C. GRCh37 (hg19) VCF-style: chr4-38054826-T-C.
Other names: c.2172T>C, p.Ser724= (NM_001253912.2); c.1911-994T>C (NM_015173.4).
Identifiers: ClinVar variation 3051199 (VCV003051199.2), dbSNP rs201007789, ClinGen allele CA95583579.
Genomic context (GRCh38, chr4:38,053,205, plus strand): 5'-TTCTTCCTCTGTGCCAAATTTTCTAAAATTTCTGGCTCCTGTAGATGAAAATAACACCTC[T>C]GATTTTATGAACACAAAAAGGTAGGGCTTAATTTAGATATATCAAGCCTGGGTGTTACTA-3'
Protein context (NP_001383888.1, residues 714-734): FLAPVDENNT[Ser724=]DFMNTKRDFE